The following is an entry in ClinVar:

ClinVar aggregate classification (germline): Pathogenic (1 of 4 stars; one submission).

Submission:

Labcorp Genetics (formerly Invitae), Labcorp
Classification: Pathogenic. Last evaluated: 2024-11-07. Review status: criteria provided, single submitter. Criteria: Invitae Variant Classification Sherloc (09022015). Collection method: clinical testing. Allele origin: germline.
Comment: This sequence change creates a premature translational stop signal (p.Leu434Profs*35) in the OPA1 gene. It is expected to result in an absent or disrupted protein product. Loss-of-function variants in OPA1 are known to be pathogenic (PMID: 11440988, 20157015, 20952381, 25012220). This variant is not present in population databases (gnomAD no frequency). This variant has not been reported in the literature in individuals affected with OPA1-related conditions. ClinVar contains an entry for this variant (Variation ID: 2035615). For these reasons, this variant has been classified as Pathogenic.

Literature cited by the submitters: PubMed 11440988; PubMed 20157015; PubMed 20952381; PubMed 25012220.

NM_130837.3(OPA1):c.1461_1465dup (p.Leu489fs)

Gene: OPA1 (OPA1 mitochondrial dynamin like GTPase; plus strand). Cytogenetic location: 3q29.
Variant type: Duplication.
Coding change: c.1461_1465dup on transcript NM_130837.3 (MANE Select); coding-DNA positions 1461 to 1465, 5 bases duplicated (CATAC; older notation c.1461_1465dupCATAC).
Protein change: p.Leu489fs; shifts the reading frame from leucine 489.
Molecular consequence: frameshift variant.
Genome position (GRCh38, 1-based): chr3:193,643,611-193,643,615, CATAC duplicated. VCF-style (leftmost placement, unchanged base first): chr3-193643610-T-TCATAC. GRCh37 (hg19) VCF-style: chr3-193361399-T-TCATAC.
Other names: c.927_931dup, p.Leu311fs (NM_001354663.2); c.924_928dup, p.Leu310fs (NM_001354664.2); c.1296_1300dup, p.Leu434fs (NM_015560.3); c.1188_1192dup, p.Leu398fs (NM_130831.3); c.1242_1246dup, p.Leu416fs (NM_130832.3); c.1299_1303dup, p.Leu435fs (NM_130833.3); c.1350_1354dup, p.Leu452fs (NM_130834.3); c.1353_1357dup, p.Leu453fs (NM_130835.3); and 1 more; short protein forms L416fs, L435fs, L471fs, L310fs, L453fs, L311fs, L398fs, L434fs.
Identifiers: ClinVar variation 2035615 (VCV002035615.4), dbSNP rs2474874628, ClinGen allele CA2580070573.